The following is an entry in ClinVar:

NM_000548.5(TSC2):c.2914G>A (p.Ala972Thr)

Gene: TSC2 (TSC complex subunit 2; plus strand). Cytogenetic location: 16p13.3.
Variant type: single nucleotide variant.
Coding change: c.2914G>A on transcript NM_000548.5 (MANE Select); coding-DNA position 2914, G replaced by A.
Protein change: p.Ala972Thr; replaces alanine 972 with threonine.
Molecular consequence: missense variant. On other transcripts: intron variant (9).
Genome position (GRCh38, 1-based): chr16:2,077,674, G>A. VCF-style: chr16-2077674-G-A. GRCh37 (hg19) VCF-style: chr16-2127675-G-A.
Other names: c.2914G>A, p.Ala972Thr (NM_001114382.3); c.2837+1089G>A (NM_021055.3, NM_001370405.1, NM_001363528.2 and 2 more transcripts); c.2726+1089G>A (NM_001318827.2); c.2237+1089G>A (NM_001318831.2); c.2690+1089G>A (NM_001318829.2); c.2870+1089G>A (NM_001318832.2); short protein forms A972T.
Identifiers: ClinVar variation 582874 (VCV000582874.10), dbSNP rs1567490981, ClinGen allele CA394281276.

ClinVar aggregate classification (germline): Conflicting classifications of pathogenicity. Review status: criteria provided, conflicting classifications (1 of 4 stars). 2 submissions from 2 submitters: Uncertain significance (1); Benign (1). Last evaluated 2025-09-14.

Conditions:
Tuberous sclerosis 2 (TSC2). Identifiers: Orphanet 805, MedGen C1860707, MONDO:0013199, OMIM 613254.
Hereditary cancer-predisposing syndrome. Also called: Neoplastic Syndromes, Hereditary; Hereditary Cancer Syndrome; Tumor predisposition; Hereditary neoplastic syndrome. Identifiers: Orphanet 140162, MedGen C0027672, MeSH D009386, MONDO:0015356.

Allele frequency attached by ClinVar (database versions not stated): gnomAD exomes below 0.00001.
gnomAD v4.1: 2 of 1,613,128 alleles (0.00012%); highest among the groups gnomAD compares: Non-Finnish European, 0.00017%; no homozygotes.

Submissions (2):

Ambry Genetics
Classification: Uncertain significance for Hereditary cancer-predisposing syndrome. Last evaluated: 2025-09-14. Review status: criteria provided, single submitter. Criteria: Ambry Variant Classification Scheme 2023. Collection method: clinical testing. Allele origin: germline.
Comment: The p.A972T variant (also known as c.2914G>A), located in coding exon 25 of the TSC2 gene, results from a G to A substitution at nucleotide position 2914. The alanine at codon 972 is replaced by threonine, an amino acid with similar properties. This amino acid position is conserved. In addition, the in silico prediction for this alteration is inconclusive. Since supporting evidence is limited at this time, the clinical significance of this alteration remains unclear.

Labcorp Genetics (formerly Invitae), Labcorp
Classification: Benign for Tuberous sclerosis 2. Last evaluated: 2025-08-11. Review status: criteria provided, single submitter. Criteria: Invitae Variant Classification Sherloc (09022015). Collection method: clinical testing. Allele origin: germline.